The following is an entry in ClinVar:

NM_001039348.3(EFEMP1):c.1412G>A (p.Ser471Asn)

Gene: EFEMP1 (EGF-like fibulin extracellular matrix protein 1; minus strand). Cytogenetic location: 2p16.1.
Variant type: single nucleotide variant.
Coding change: c.1412G>A on transcript NM_001039348.3 (MANE Select); coding-DNA position 1412, G replaced by A.
Protein change: p.Ser471Asn; replaces serine 471 with asparagine.
Molecular consequence: missense variant.
Genome position (GRCh38, 1-based): chr2:55,867,143, C>T on the plus strand (G>A on the coding strand, the complement: EFEMP1 is on the minus strand). VCF-style: chr2-55867143-C-T. GRCh37 (hg19) VCF-style: chr2-56094278-C-T.
Other names: c.1412G>A, p.Ser471Asn (NM_001039349.3); short protein forms S471N.
Identifiers: ClinVar variation 1385200 (VCV001385200.6), dbSNP rs766253306, ClinGen allele CA1668685.

ClinVar aggregate classification (germline): Uncertain significance (1 of 4 stars; one submission).

Allele frequency attached by ClinVar (database versions not stated): gnomAD exomes below 0.00001 and 0.00001; ExAC 0.00002; gnomAD 0.00003; TOPMed 0.00003.
gnomAD v4.1: 6 of 1,613,792 alleles (0.00037%); highest among the groups gnomAD compares: African/African-American, 0.008%; no homozygotes.

Submission:

Labcorp Genetics (formerly Invitae), Labcorp
Classification: Uncertain significance. Last evaluated: 2024-10-15. Review status: criteria provided, single submitter. Criteria: Invitae Variant Classification Sherloc (09022015). Collection method: clinical testing. Allele origin: germline.
Comment: This sequence change replaces serine, which is neutral and polar, with asparagine, which is neutral and polar, at codon 471 of the EFEMP1 protein (p.Ser471Asn). This variant is present in population databases (rs766253306, gnomAD 0.01%). This variant has not been reported in the literature in individuals affected with EFEMP1-related conditions. ClinVar contains an entry for this variant (Variation ID: 1385200). Invitae Evidence Modeling of protein sequence and biophysical properties (such as structural, functional, and spatial information, amino acid conservation, physicochemical variation, residue mobility, and thermodynamic stability) indicates that this missense variant is not expected to disrupt EFEMP1 protein function with a negative predictive value of 80%. In summary, the available evidence is currently insufficient to determine the role of this variant in disease. Therefore, it has been classified as a Variant of Uncertain Significance.